The following is an entry in ClinVar:

NM_004655.4(AXIN2):c.915T>G (p.Asp305Glu)

Gene: AXIN2 (axin 2; minus strand). Cytogenetic location: 17q24.1.
Variant type: single nucleotide variant.
Coding change: c.915T>G on transcript NM_004655.4 (MANE Select); coding-DNA position 915, T replaced by G.
Protein change: p.Asp305Glu; replaces aspartic acid 305 with glutamic acid.
Molecular consequence: missense variant.
Genome position (GRCh38, 1-based): chr17:65,549,561, A>C on the plus strand (T>G on the coding strand, the complement: AXIN2 is on the minus strand). VCF-style: chr17-65549561-A-C. GRCh37 (hg19) VCF-style: chr17-63545679-A-C.
Other names: c.915T>G, p.Asp305Glu (NM_001363813.1); short protein forms D305E.
Identifiers: ClinVar variation 3664520 (VCV003664520.2).

ClinVar aggregate classification (germline): Uncertain significance (1 of 4 stars; one submission).

Conditions:
Oligodontia-cancer predisposition syndrome. Also called: TOOTH AGENESIS-COLORECTAL CANCER SYNDROME. Identifiers: Orphanet 300576, MedGen C1837750, MONDO:0012075, OMIM 608615. Disease mechanism: loss of function.

Submission:

Labcorp Genetics (formerly Invitae), Labcorp
Classification: Uncertain significance for Oligodontia-cancer predisposition syndrome. Last evaluated: 2024-09-04. Review status: criteria provided, single submitter. Criteria: Invitae Variant Classification Sherloc (09022015). Collection method: clinical testing. Allele origin: germline.
Comment: This sequence change replaces aspartic acid, which is acidic and polar, with glutamic acid, which is acidic and polar, at codon 305 of the AXIN2 protein (p.Asp305Glu). This variant is not present in population databases (gnomAD no frequency). This variant has not been reported in the literature in individuals affected with AXIN2-related conditions. Invitae Evidence Modeling of protein sequence and biophysical properties (such as structural, functional, and spatial information, amino acid conservation, physicochemical variation, residue mobility, and thermodynamic stability) has been performed for this missense variant. However, the output from this modeling did not meet the statistical confidence thresholds required to predict the impact of this variant on AXIN2 protein function. In summary, the available evidence is currently insufficient to determine the role of this variant in disease. Therefore, it has been classified as a Variant of Uncertain Significance.